The following is an entry in ClinVar:

ClinVar aggregate classification (germline): Likely benign (1 of 4 stars; one submission).

gnomAD v4.1: 7 of 1,211,512 alleles (0.00058%); highest among the groups gnomAD compares: East Asian, 0.003%; no homozygotes.

Submission:

Dasa
Classification: Likely benign. Last evaluated: 2024-10-03. Review status: criteria provided, single submitter. Criteria: DASA Assertion Criteria. Collection method: clinical testing. Allele origin: germline.
Comment: NM_001367916.1(MAGT1):c.475C>T (p.Arg159Trp) is a missense variant that results in the substitution of arginine with tryptophan. The variant context is inconsistent with a known disease-causing mechanism. Computational prediction algorithms are consistent with a benign effect. Therefore, based on the currently available evidence, this variant is classified as likely benign.

NM_001367916.1(MAGT1):c.475C>T (p.Arg159Trp)

Gene: MAGT1 (magnesium transporter 1; minus strand). Cytogenetic location: Xq21.1.
Variant type: single nucleotide variant.
Coding change: c.475C>T on transcript NM_001367916.1 (MANE Select); coding-DNA position 475, C replaced by T.
Protein change: p.Arg159Trp; replaces arginine 159 with tryptophan.
Molecular consequence: missense variant.
Genome position (GRCh38, 1-based): chrX:77,857,413, G>A on the plus strand (C>T on the coding strand, the complement: MAGT1 is on the minus strand). VCF-style: chrX-77857413-G-A. GRCh37 (hg19) VCF-style: chrX-77112910-G-A.
Other names: c.571C>T, p.Arg191Trp (NM_032121.5); short protein forms R159W, R191W.
Identifiers: ClinVar variation 4852757 (VCV004852757.2).
Genomic context (GRCh38, chrX:77,857,413, plus strand): 5'-TTACATTGACATCAGTTCTGTCGGCGATCCACCGGGCAATCTGCTCAGCTGAAAAACCCC[G>A]CACCTGTAACTCATATGTATCACCCCGTTTGGGTTTCCCTTTTGCAGGAAAGTTGATGAA-3'
Protein context (NP_001354845.1, residues 149-169): KRGDTYELQV[Arg159Trp]GFSAEQIARW